The following is an entry in ClinVar:

NM_182931.3(KMT2E):c.5403C>G (p.Asn1801Lys)

Gene: KMT2E (lysine methyltransferase 2E (inactive); plus strand). Cytogenetic location: 7q22.3.
Variant type: single nucleotide variant.
Coding change: c.5403C>G on transcript NM_182931.3 (MANE Select); coding-DNA position 5403, C replaced by G.
Protein change: p.Asn1801Lys; replaces asparagine 1801 with lysine.
Molecular consequence: missense variant.
Genome position (GRCh38, 1-based): chr7:105,113,159, C>G. VCF-style: chr7-105113159-C-G. GRCh37 (hg19) VCF-style: chr7-104753606-C-G.
Other names: c.5277C>G, p.Asn1759Lys (NM_001410908.1); c.5403C>G, p.Asn1801Lys (NM_018682.4); short protein forms N1759K, N1801K.
Identifiers: ClinVar variation 3605242 (VCV003605242.2).

ClinVar aggregate classification (germline): Uncertain significance (1 of 4 stars; one submission).

gnomAD v4.1: 5 of 1,614,222 alleles (0.00031%); highest among the groups gnomAD compares: Non-Finnish European, 0.00034%; no homozygotes.

Submission:

Labcorp Genetics (formerly Invitae), Labcorp
Classification: Uncertain significance. Last evaluated: 2024-09-08. Review status: criteria provided, single submitter. Criteria: Invitae Variant Classification Sherloc (09022015). Collection method: clinical testing. Allele origin: germline.
Comment: This sequence change replaces asparagine, which is neutral and polar, with lysine, which is basic and polar, at codon 1801 of the KMT2E protein (p.Asn1801Lys). This variant is not present in population databases (gnomAD no frequency). This variant has not been reported in the literature in individuals affected with KMT2E-related conditions. An algorithm developed to predict the effect of missense changes on protein structure and function (PolyPhen-2) suggests that this variant is likely to be tolerated. In summary, the available evidence is currently insufficient to determine the role of this variant in disease. Therefore, it has been classified as a Variant of Uncertain Significance.